The following continues an entry in ClinVar:

NM_000402.4(G6PD):c.961G>A (p.Val321Met)

Gene: G6PD. ClinVar aggregate classification (germline): Pathogenic/Likely pathogenic. Pathogenic (29); Likely pathogenic (3).

Literature cited by the submitters, continued: PubMed 27053284 (cited by 6 submitters); PubMed 29262208 (cited by Rady Children's Institute for Genomic Medicine, Rady Children's Hospital San Diego); PubMed 29298156 (cited by Rady Children's Institute for Genomic Medicine, Rady Children's Hospital San Diego); PubMed 1805484 (cited by 3 submitters); PubMed 25775246 (cited by Variantyx, Inc. and Laboratory for Molecular Medicine, Mass General Brigham Personalized Medicine); PubMed 29339739 (cited by Variantyx, Inc. and Mayo Clinic Laboratories, Mayo Clinic); PubMed 33413378 (cited by Mayo Clinic Laboratories, Mayo Clinic); PubMed 36212142 (cited by Mayo Clinic Laboratories, Mayo Clinic); PubMed 36419023 (cited by Mayo Clinic Laboratories, Mayo Clinic); PubMed 33051526 (cited by Victorian Clinical Genetics Services, Murdoch Childrens Research Institute and Gene Friend Way, National Innovation Center); PubMed 23965028 (cited by 3 submitters); PubMed 28583873 (cited by Women's Health and Genetics/Laboratory Corporation of America, LabCorp); PubMed 7803800 (cited by Dunham Lab, University of Washington); PubMed 25536053 (cited by Dunham Lab, University of Washington); PubMed 23006493 (cited by Dunham Lab, University of Washington); PubMed 25541721 (cited by Dunham Lab, University of Washington); PubMed 15727905 (cited by Dunham Lab, University of Washington); PubMed 16329560 (cited by Dunham Lab, University of Washington); PubMed 22164279 (cited by Dunham Lab, University of Washington); PubMed 1459579 (cited by Dunham Lab, University of Washington); PubMed 33636823 (cited by Dunham Lab, University of Washington); PubMed 33072997 (cited by Dunham Lab, University of Washington); PubMed 31863082 (cited by Dunham Lab, University of Washington); PubMed 18046504 (cited by Dunham Lab, University of Washington and Laboratory for Molecular Medicine, Mass General Brigham Personalized Medicine); PubMed 8244337 (cited by Dunham Lab, University of Washington); PubMed 30045279 (cited by Dunham Lab, University of Washington); PubMed 12497642 (cited by Dunham Lab, University of Washington); PubMed 16513531 (cited by Dunham Lab, University of Washington); PubMed 31862010 (cited by Dunham Lab, University of Washington); PubMed 31489982 (cited by Dunham Lab, University of Washington); PubMed 35840819 (cited by Dunham Lab, University of Washington); PubMed 16777444 (cited by Laboratory for Molecular Medicine, Mass General Brigham Personalized Medicine); PubMed 16528451 (cited by Laboratory for Molecular Medicine, Mass General Brigham Personalized Medicine); PubMed 19589177 (cited by Laboratory for Molecular Medicine, Mass General Brigham Personalized Medicine); PubMed 26226515 (cited by Laboratory for Molecular Medicine, Mass General Brigham Personalized Medicine); PubMed 16136268 (cited by Illumina Laboratory Services, Illumina and OMIM); PubMed 2633878 (cited by Ambry Genetics); PubMed 38834682 (cited by Gene Friend Way, National Innovation Center); Beutler, E., Keller, J. W., Matsumoto, F. A new glucose 6-phosphate dehydrogenase (G6PD) variant associated with nonspherocytic hemolytic anemia: G6PD Atlanta. I.R.C.S. 4: 479, 1976. (cited by OMIM).